The following is an entry in ClinVar:

ClinVar aggregate classification (germline): Likely pathogenic (1 of 4 stars; one submission).

Submission:

Dasa
Classification: Likely pathogenic. Last evaluated: 2026-03-20. Review status: criteria provided, single submitter. Criteria: DASA Assertion Criteria. Collection method: clinical testing. Allele origin: germline.
Comment: NM_006012.4(CLPP):c.110del (p.Thr37Asnfs*90) is a frameshift variant in CLPP predicted to alter the reading frame and introduce a premature termination codon and is predicted to result in an absent or altered protein product. Loss of function is an established disease mechanism for CLPP-associated disorders. Also, this variant is absent from population databases. Based on the currently available evidence, this variant is classified as likely pathogenic.

NM_006012.4(CLPP):c.110del (p.Thr37fs)

Gene: CLPP (caseinolytic mitochondrial matrix peptidase proteolytic subunit; plus strand). Cytogenetic location: 19p13.3.
Variant type: Deletion.
Coding change: c.110del on transcript NM_006012.4 (MANE Select); coding-DNA position 110, one base deleted (C; older notation c.110delC).
Protein change: p.Thr37fs; shifts the reading frame from threonine 37.
Molecular consequence: frameshift variant.
Genome position (GRCh38, 1-based): chr19:6,361,684, C deleted. VCF-style (leftmost placement, unchanged base first): chr19-6361683-AC-A. GRCh37 (hg19) VCF-style: chr19-6361694-AC-A.
Other names: short protein forms T37fs.
Identifiers: ClinVar variation 4886519 (VCV004886519.2).